The following is an entry in ClinVar:

NM_001080453.3(INTS1):c.4570G>A (p.Val1524Ile)

Gene: INTS1 (integrator complex subunit 1; minus strand). Cytogenetic location: 7p22.3.
Variant type: single nucleotide variant.
Coding change: c.4570G>A on transcript NM_001080453.3 (MANE Select); coding-DNA position 4570, G replaced by A.
Protein change: p.Val1524Ile; replaces valine 1524 with isoleucine.
Molecular consequence: missense variant.
Genome position (GRCh38, 1-based): chr7:1,478,426, C>T on the plus strand (G>A on the coding strand, the complement: INTS1 is on the minus strand). VCF-style: chr7-1478426-C-T. GRCh37 (hg19) VCF-style: chr7-1518062-C-T.
Other names: short protein forms V1524I.
Identifiers: ClinVar variation 3778156 (VCV003778156.7).
Genomic context (GRCh38, chr7:1,478,426, plus strand): 5'-CTTTGCTGATCAGGTCCGGCTCCACGCTGCACTGCTCCCCAGACCTCAGGGTGGCGATGA[C>T]GGCACGGACGGTGGAGCTGACCACCTCCAGGTCCTGACGGAAGGCCAGGGCCTCGGCCAG-3'
Protein context (NP_001073922.2, residues 1514-1534): LEVVSSTVRA[Val1524Ile]IATLRSGEQC

ClinVar aggregate classification (germline): Uncertain significance (1 of 4 stars; one submission).

gnomAD v4.1: 113 of 1,612,512 alleles (0.007%); highest among the groups gnomAD compares: Non-Finnish European, 0.0091%; no homozygotes.

Submission:

CeGaT Center for Human Genetics Tuebingen
Classification: Uncertain significance. Last evaluated: 2025-03-01. Review status: criteria provided, single submitter. Criteria: CeGaT Center For Human Genetics Tuebingen Variant Classification Criteria Version 2. Collection method: clinical testing. Allele origin: germline. Affected: yes. Observed: 1 variant allele.
Comment: INTS1: PM2, BP4